The following is an entry in ClinVar:

NM_000876.4(IGF2R):c.7165G>A (p.Gly2389Ser)

Gene: IGF2R (insulin like growth factor 2 receptor; plus strand). Cytogenetic location: 6q25.3.
Variant type: single nucleotide variant.
Coding change: c.7165G>A on transcript NM_000876.4 (MANE Select); coding-DNA position 7165, G replaced by A.
Protein change: p.Gly2389Ser; replaces glycine 2389 with serine.
Molecular consequence: missense variant.
Genome position (GRCh38, 1-based): chr6:160,104,773, G>A. VCF-style: chr6-160104773-G-A. GRCh37 (hg19) VCF-style: chr6-160525805-G-A.
Other names: short protein forms G2389S.
Identifiers: ClinVar variation 4678022 (VCV004678022.1).

ClinVar aggregate classification (germline): Uncertain significance (1 of 4 stars; one submission).

gnomAD v4.1: 5 of 1,614,132 alleles (0.00031%); highest among the groups gnomAD compares: South Asian, 0.0022%; no homozygotes.

Submission:

Ambry Genetics
Classification: Uncertain significance. Last evaluated: 2025-12-02. Review status: criteria provided, single submitter. Criteria: Ambry Variant Classification Scheme 2023. Collection method: clinical testing. Allele origin: germline.
Comment: The c.7165G>A (p.G2389S) alteration is located in exon 48 (coding exon 48) of the IGF2R gene. This alteration results from a G to A substitution at nucleotide position 7165, causing the glycine (G) at amino acid position 2389 to be replaced by a serine (S). Based on data from gnomAD, the A allele has an overall frequency of 0.001% (2/251478) total alleles studied. The highest observed frequency was 0.003% (1/30616) of South Asian alleles. Based on insufficient or conflicting evidence, the clinical significance of this alteration remains unclear.